The following is an entry in ClinVar:

NM_000540.3(RYR1):c.3895C>G (p.His1299Asp)

Gene: RYR1 (ryanodine receptor 1; plus strand). Cytogenetic location: 19q13.2.
Variant type: single nucleotide variant.
Coding change: c.3895C>G on transcript NM_000540.3 (MANE Select); coding-DNA position 3895, C replaced by G.
Protein change: p.His1299Asp; replaces histidine 1299 with aspartic acid.
Molecular consequence: missense variant.
Genome position (GRCh38, 1-based): chr19:38,473,506, C>G. VCF-style: chr19-38473506-C-G. GRCh37 (hg19) VCF-style: chr19-38964146-C-G.
Other names: c.3895C>G, p.His1299Asp (NM_001042723.2); short protein forms H1299D.
Identifiers: ClinVar variation 2636199 (VCV002636199.5), dbSNP rs1968541910, ClinGen allele CA405642023.

ClinVar aggregate classification (germline): Uncertain significance. Review status: criteria provided, multiple submitters, no conflicts (2 of 4 stars). 3 submissions from 3 submitters: Uncertain significance (3). Last evaluated 2025-05-30.

Conditions:
Malignant hyperthermia, susceptibility to, 1 (MHS1). Also called: Anesthesia related hyperthermia; Malignant hyperpyrexia; Fulminating hyperpyrexia; Pharmacogenic myopathy; RYR1-Related Malignant Hyperthermia Susceptibility; Malignant hyperthermia suceptibility 1. Identifiers: Orphanet 423, MedGen C2930980, MONDO:0007783, OMIM 145600.
RYR1-related disorder. Also called: RYR1-related condition; RYR1-related disorders. Identifiers: MedGen CN239331.

Allele frequency attached by ClinVar (database versions not stated): gnomAD exomes below 0.00001.
gnomAD v4.1: 5 of 1,613,574 alleles (0.00031%); highest among the groups gnomAD compares: Non-Finnish European, 0.00042%; no homozygotes.

Submissions (3):

Color Diagnostics, LLC DBA Color Health
Classification: Uncertain significance for Malignant hyperthermia, susceptibility to, 1. Last evaluated: 2025-05-30. Review status: criteria provided, single submitter. Criteria: ACMG Guidelines, 2015. Collection method: clinical testing. Allele origin: germline.
Comment: This missense variant replaces histidine with aspartic acid at codon 1299 of the RYR1 protein. Computational prediction suggests that this variant may not impact protein structure and function. To our knowledge, functional studies have not been reported for this variant. This variant has not been reported in individuals affected with RYR1-related disorders in the literature. This variant has not been identified in the general population by the Genome Aggregation Database (gnomAD). The available evidence is insufficient to determine the role of this variant in disease conclusively. Therefore, this variant is classified as a Variant of Uncertain Significance.

Labcorp Genetics (formerly Invitae), Labcorp
Classification: Uncertain significance for RYR1-related disorder. Last evaluated: 2024-11-05. Review status: criteria provided, single submitter. Criteria: Invitae Variant Classification Sherloc (09022015). Collection method: clinical testing. Allele origin: germline.
Comment: This sequence change replaces histidine, which is basic and polar, with aspartic acid, which is acidic and polar, at codon 1299 of the RYR1 protein (p.His1299Asp). This variant is not present in population databases (gnomAD no frequency). This variant has not been reported in the literature in individuals affected with RYR1-related conditions. ClinVar contains an entry for this variant (Variation ID: 2636199). Invitae Evidence Modeling of protein sequence and biophysical properties (such as structural, functional, and spatial information, amino acid conservation, physicochemical variation, residue mobility, and thermodynamic stability) has been performed for this missense variant. However, the output from this modeling did not meet the statistical confidence thresholds required to predict the impact of this variant on RYR1 protein function. In summary, the available evidence is currently insufficient to determine the role of this variant in disease. Therefore, it has been classified as a Variant of Uncertain Significance.

PreventionGenetics, part of Exact Sciences
Classification: Uncertain significance for RYR1-related condition. Last evaluated: 2023-01-05. Review status: criteria provided, single submitter. Criteria: ACMG Guidelines, 2015. Collection method: clinical testing. Allele origin: germline.
Comment: The RYR1 c.3895C>G variant is predicted to result in the amino acid substitution p.His1299Asp. To our knowledge, this variant has not been reported in the literature or in a large population database, indicating this variant is rare. At this time, the clinical significance of this variant is uncertain due to the absence of conclusive functional and genetic evidence.